The following is an entry in ClinVar:

NM_000276.4(OCRL):c.986G>A (p.Arg329Lys)

Gene: OCRL (OCRL inositol polyphosphate-5-phosphatase; plus strand). Cytogenetic location: Xq26.1.
Variant type: single nucleotide variant.
Coding change: c.986G>A on transcript NM_000276.4 (MANE Select); coding-DNA position 986, G replaced by A.
Protein change: p.Arg329Lys; replaces arginine 329 with lysine.
Molecular consequence: missense variant.
Genome position (GRCh38, 1-based): chrX:129,562,430, G>A. VCF-style: chrX-129562430-G-A. GRCh37 (hg19) VCF-style: chrX-128696407-G-A.
Other names: c.989G>A, p.Arg330Lys (NM_001318784.2); c.986G>A, p.Arg329Lys (NM_001587.4); short protein forms R330K, R329K.
Identifiers: ClinVar variation 2733924 (VCV002733924.1), dbSNP rs2521889063, ClinGen allele CA414552546.

ClinVar aggregate classification (germline): Uncertain significance (1 of 4 stars; one submission).

Conditions:
Lowe syndrome (OCRL). Also called: LOWE OCULOCEREBRORENAL SYNDROME; PHOSPHATIDYLINOSITOL 4,5-BISPHOSPHATE 5-PHOSPHATASE DEFICIENCY; Oculocerebrorenal Syndrome. Identifiers: Orphanet 534, MedGen C0028860, MONDO:0010645, OMIM 309000.

Submission:

Labcorp Genetics (formerly Invitae), Labcorp
Classification: Uncertain significance for Lowe syndrome. Last evaluated: 2023-06-30. Review status: criteria provided, single submitter. Criteria: Invitae Variant Classification Sherloc (09022015). Collection method: clinical testing. Allele origin: germline.
Comment: This variant has not been reported in the literature in individuals affected with OCRL-related conditions. Advanced modeling of protein sequence and biophysical properties (such as structural, functional, and spatial information, amino acid conservation, physicochemical variation, residue mobility, and thermodynamic stability) performed at Invitae indicates that this missense variant is not expected to disrupt OCRL protein function. In summary, the available evidence is currently insufficient to determine the role of this variant in disease. Therefore, it has been classified as a Variant of Uncertain Significance. This variant is not present in population databases (gnomAD no frequency). This sequence change replaces arginine, which is basic and polar, with lysine, which is basic and polar, at codon 329 of the OCRL protein (p.Arg329Lys).